The following is an entry in ClinVar:

ClinVar aggregate classification (germline): Uncertain significance (1 of 4 stars; one submission).

Conditions:
Charcot-Marie-Tooth disease axonal type 2O. Also called: CHARCOT-MARIE-TOOTH NEUROPATHY, AXONAL, TYPE 2O; CHARCOT-MARIE-TOOTH DISEASE, AXONAL, AUTOSOMAL DOMINANT, TYPE 2O; Charcot-Marie-Tooth Neuropathy Type 2O; Charcot-Marie-Tooth disease, axonal, type 20. Identifiers: Orphanet 284232, MedGen C3280220, MONDO:0013644, OMIM 614228.

Submission:

Labcorp Genetics (formerly Invitae), Labcorp
Classification: Uncertain significance for Charcot-Marie-Tooth disease axonal type 2O. Last evaluated: 2025-12-22. Review status: criteria provided, single submitter. Criteria: Invitae Variant Classification Sherloc (09022015). Collection method: clinical testing. Allele origin: germline.
Comment: This sequence change falls in intron 70 of the DYNC1H1 gene. It does not directly change the encoded amino acid sequence of the DYNC1H1 protein. It affects a nucleotide within the consensus splice site. This variant is not present in population databases (gnomAD no frequency). This variant has not been reported in the literature in individuals affected with DYNC1H1-related conditions. Variants that disrupt the consensus splice site are a relatively common cause of aberrant splicing (PMID: 17576681, 9536098). Algorithms developed to predict the effect of sequence changes on RNA splicing suggest that this variant may disrupt the consensus splice site. In summary, the available evidence is currently insufficient to determine the role of this variant in disease. Therefore, it has been classified as a Variant of Uncertain Significance.

Literature cited by the submitters: PubMed 17576681; PubMed 9536098.

NM_001376.5(DYNC1H1):c.12684+4A>G

Gene: DYNC1H1 (dynein cytoplasmic 1 heavy chain 1; plus strand). Cytogenetic location: 14q32.31.
Variant type: single nucleotide variant.
Coding change: c.12684+4A>G on transcript NM_001376.5 (MANE Select); 4 bases into the intron after coding-DNA position 12684, A replaced by G.
Molecular consequence: intron variant.
Genome position (GRCh38, 1-based): chr14:102,044,049, A>G. VCF-style: chr14-102044049-A-G. GRCh37 (hg19) VCF-style: chr14-102510386-A-G.
Identifiers: ClinVar variation 4733897 (VCV004733897.1).
Genomic context (GRCh38, chr14:102,044,049, plus strand): 5'-TCTGACCTGCGGTCAGCTTGCGATACGGTGGACACGTGGCTGGATGACACGGCCAAGGCA[A>G]GTGTGGGCCATGCCAGGACAGACAGTGGACGTGTATCTGGGAAGGATGCTGCAGGGCGTG-3'